The following is an entry in ClinVar:

NM_000535.7(PMS2):c.904G>C (p.Val302Leu)

Gene: PMS2 (PMS1 homolog 2, mismatch repair system component; minus strand). Cytogenetic location: 7p22.1.
Variant type: single nucleotide variant.
Coding change: c.904G>C on transcript NM_000535.7 (MANE Select); coding-DNA position 904, G replaced by C.
Protein change: p.Val302Leu; replaces valine 302 with leucine.
Molecular consequence: missense variant. On other transcripts: 5 prime UTR variant (2), non-coding transcript variant (1), intron variant (1).
Genome position (GRCh38, 1-based): chr7:5,992,057, C>G on the plus strand (G>C on the coding strand, the complement: PMS2 is on the minus strand). VCF-style: chr7-5992057-C-G. GRCh37 (hg19) VCF-style: chr7-6031688-C-G.
Other names: c.499G>C, p.Val167Leu (NM_001322003.2, NM_001322004.2, NM_001322005.2 and 19 more transcripts); c.904G>C, p.Val302Leu (NM_001322006.2, NM_001322014.2, NM_001406870.1 and 2 more transcripts); c.586G>C, p.Val196Leu (NM_001322007.2, NM_001322008.2, NM_001406876.1 and 4 more transcripts); c.-30G>C (NM_001322011.2, NM_001322012.2); c.331G>C, p.Val111Leu (NM_001322013.2, NM_001406909.1); c.595G>C, p.Val199Leu (NM_001322015.2, NM_001406875.1, NM_001406877.1 and 6 more transcripts); c.1090G>C, p.Val364Leu (NM_001406866.1); c.928G>C, p.Val310Leu (NM_001406868.1); and 8 more; short protein forms V131L, V167L, V199L, V246L, V302L, V364L, V180L, V310L.
Identifiers: ClinVar variation 3892130 (VCV003892130.2).

ClinVar aggregate classification (germline): Uncertain significance. Review status: criteria provided, multiple submitters, no conflicts (2 of 4 stars). 2 submissions from 2 submitters: Uncertain significance (2). Last evaluated 2026-05-14.

Conditions:
Mismatch repair cancer syndrome 4. Identifiers: MedGen C5436817, MONDO:0030843, OMIM 619101.
Lynch syndrome 4 (LYNCH4). Also called: Hereditary non-polyposis colorectal cancer, type 4; Colorectal cancer, hereditary nonpolyposis, type 4. Identifiers: Orphanet 144, MedGen C1838333, MONDO:0013699, OMIM 614337. Disease mechanism: loss of function.
Hereditary cancer-predisposing syndrome. Also called: Neoplastic Syndromes, Hereditary; Tumor predisposition; Hereditary Cancer Syndrome; Hereditary neoplastic syndrome. Identifiers: Orphanet 140162, MedGen C0027672, MeSH D009386, MONDO:0015356.

gnomAD v4.1: 1 of 1,526,098 alleles (0.000066%); highest among the groups gnomAD compares: Non-Finnish European, 0.000091%; no homozygotes.

Submissions (2):

Ambry Genetics
Classification: Uncertain significance for Hereditary cancer-predisposing syndrome. Last evaluated: 2026-05-14. Review status: criteria provided, single submitter. Criteria: Ambry Variant Classification Scheme 2023. Collection method: clinical testing. Allele origin: germline.
Comment: The p.V302L variant (also known as c.904G>C) is located in coding exon 9 of the PMS2 gene. The valine at codon 302 is replaced by leucine, an amino acid with highly similar properties. This change occurs in the first base pair of coding exon 9. This amino acid position is conserved. In addition, the in silico prediction for this alteration is inconclusive. Based on the available evidence, the clinical significance of this variant remains unclear.

Department of Pathology and Laboratory Medicine, Sinai Health System
Classification: Uncertain significance for Lynch syndrome 4; Mismatch repair cancer syndrome 4. Last evaluated: 2019-12-04. Review status: criteria provided, single submitter. Criteria: ACMG Guidelines, 2015. Collection method: clinical testing. Allele origin: germline. Affected: no.